The following is an entry in ClinVar:

ClinVar aggregate classification (germline): Uncertain significance (1 of 4 stars; one submission).

Conditions:
Combined immunodeficiency due to OX40 deficiency. Also called: Immunodeficiency 16; OX40 DEFICIENCY. Identifiers: Orphanet 431149, MedGen C3810053, MONDO:0014268, OMIM 615593.

Submission:

Labcorp Genetics (formerly Invitae), Labcorp
Classification: Uncertain significance for Combined immunodeficiency due to OX40 deficiency. Last evaluated: 2025-04-23. Review status: criteria provided, single submitter. Criteria: Invitae Variant Classification Sherloc (09022015). Collection method: clinical testing. Allele origin: germline.
Comment: This sequence change affects codon 211 of the TNFRSF4 mRNA. It is a 'silent' change, meaning that it does not change the encoded amino acid sequence of the TNFRSF4 protein. It affects a nucleotide within the consensus splice site. This variant is not present in population databases (gnomAD no frequency). This variant has not been reported in the literature in individuals affected with TNFRSF4-related conditions. Algorithms developed to predict the effect of sequence changes on RNA splicing suggest that this variant is not likely to affect RNA splicing. In summary, the available evidence is currently insufficient to determine the role of this variant in disease. Therefore, it has been classified as a Variant of Uncertain Significance.

NM_003327.4(TNFRSF4):c.633G>T (p.Gly211=)

Gene: TNFRSF4 (TNF receptor superfamily member 4; minus strand). Cytogenetic location: 1p36.33.
Variant type: single nucleotide variant.
Coding change: c.633G>T on transcript NM_003327.4 (MANE Select); coding-DNA position 633, G replaced by T.
Protein change: p.Gly211=; no amino-acid change (glycine 211 retained).
Molecular consequence: synonymous variant.
Genome position (GRCh38, 1-based): chr1:1,211,943, C>A on the plus strand (G>T on the coding strand, the complement: TNFRSF4 is on the minus strand). VCF-style: chr1-1211943-C-A. GRCh37 (hg19) VCF-style: chr1-1147323-C-A.
Other names: c.633G>T, p.Gly211= (NM_001410709.1).
Identifiers: ClinVar variation 4718231 (VCV004718231.1).